The following is an entry in ClinVar:

NM_000285.4(PEPD):c.660T>C (p.Tyr220=)

Gene: PEPD (peptidase D; minus strand). Cytogenetic location: 19q13.11.
Variant type: single nucleotide variant.
Coding change: c.660T>C on transcript NM_000285.4 (MANE Select); coding-DNA position 660, T replaced by C.
Protein change: p.Tyr220=; no amino-acid change (tyrosine 220 retained).
Molecular consequence: synonymous variant. On other transcripts: intron variant (1).
Genome position (GRCh38, 1-based): chr19:33,463,006, A>G on the plus strand (T>C on the coding strand, the complement: PEPD is on the minus strand). VCF-style: chr19-33463006-A-G. GRCh37 (hg19) VCF-style: chr19-33953912-A-G.
Other names: p.Tyr220=; c.468T>C, p.Tyr156= (NM_001166057.2); c.548+15040T>C (NM_001166056.2).
Identifiers: ClinVar variation 328812 (VCV000328812.19), dbSNP rs3745969, ClinGen allele CA9364208.

ClinVar aggregate classification (germline): Benign. Review status: criteria provided, multiple submitters, no conflicts (2 of 4 stars). 6 submissions from 6 submitters: Benign (6). Last evaluated 2026-02-04.

Conditions:
Prolidase deficiency. Identifiers: Orphanet 742, MedGen C0268532, MONDO:0008221, OMIM 170100.

Allele frequency attached by ClinVar (database versions not stated): TOPMed 0.02337; ESP Exome Variant Server 0.02480; 1000 Genomes Project 30x 0.02717; 1000 Genomes Project 0.02975; gnomAD 0.03110 and 0.03141; gnomAD exomes 0.03717 and 0.03798; ExAC 0.03779.
gnomAD v4.1: 58,165 of 1,596,230 alleles (3.6%); highest among the groups gnomAD compares: East Asian, 8.3%; 1,478 homozygotes.

Submissions (6):

Labcorp Genetics (formerly Invitae), Labcorp
Classification: Benign. Last evaluated: 2026-02-04. Review status: criteria provided, single submitter. Criteria: Invitae Variant Classification Sherloc (09022015). Collection method: clinical testing. Allele origin: germline.

Mayo Clinic Laboratories, Mayo Clinic
Classification: Benign. Last evaluated: 2022-04-17. Review status: criteria provided, single submitter. Criteria: ACMG Guidelines, 2015. Collection method: clinical testing. Allele origin: germline. Observed: 24 variant alleles.

GeneDx
Classification: Benign. Last evaluated: 2021-05-05. Review status: criteria provided, single submitter. Criteria: GeneDx Variant Classification Process June 2021. Collection method: clinical testing. Allele origin: germline. Affected: yes.

Illumina Laboratory Services, Illumina
Classification: Benign for Prolidase deficiency. Last evaluated: 2018-01-13. Review status: criteria provided, single submitter. Criteria: ICSL Variant Classification Criteria 13 December 2019. Collection method: clinical testing. Allele origin: germline.
Comment: This variant was observed in the ICSL laboratory as part of a predisposition screen in an ostensibly healthy population. It had not been previously curated by ICSL or reported in the Human Gene Mutation Database (HGMD: prior to June 1st, 2018), and was therefore a candidate for classification through an automated scoring system. Utilizing variant allele frequency, disease prevalence and penetrance estimates, and inheritance mode, an automated score was calculated to assess if this variant is too frequent to cause the disease. Based on the score and internal cut-off values, a variant classified as benign is not then subjected to further curation. The score for this variant resulted in a classification of benign for this disease.

Laboratory for Molecular Medicine, Mass General Brigham Personalized Medicine
Classification: Benign. Last evaluated: 2016-03-28. Review status: criteria provided, single submitter. Criteria: LMM Criteria. Collection method: clinical testing. Allele origin: germline.
Comment: Variant identified in a genome or exome case(s) and assessed due to predicted null impact of the variant or pathogenic assertions in the literature or databases. Disclaimer: This variant has not undergone full assessment. The following are preliminary notes: Frequency

Breakthrough Genomics
Classification: Benign. Review status: criteria provided, single submitter. Criteria: ACMG Guidelines, 2015. Collection method: not provided. Allele origin: germline. Inheritance: Autosomal recessive inheritance. Affected: yes.